The following is an entry in ClinVar:

NM_000834.5(GRIN2B):c.1501-13G>A

Gene: GRIN2B (glutamate ionotropic receptor NMDA type subunit 2B; minus strand). Cytogenetic location: 12p13.1.
Variant type: single nucleotide variant.
Coding change: c.1501-13G>A on transcript NM_000834.5 (MANE Select); 13 bases into the intron before coding-DNA position 1501, G replaced by A.
Molecular consequence: intron variant.
Genome position (GRCh38, 1-based): chr12:13,615,280, C>T on the plus strand (G>A on the coding strand, the complement: GRIN2B is on the minus strand). VCF-style: chr12-13615280-C-T. GRCh37 (hg19) VCF-style: chr12-13768214-C-T.
Identifiers: ClinVar variation 245617 (VCV000245617.10), dbSNP rs201829637, ClinGen allele CA6461223.

ClinVar aggregate classification (germline): Benign/Likely benign. Review status: criteria provided, multiple submitters, no conflicts (2 of 4 stars). 3 submissions from 3 submitters: Benign (1); Likely benign (2). Last evaluated 2025-10-21.

Conditions:
Intellectual developmental disorder, autosomal dominant 6, with or without seizures. Also called: Intellectual disability, autosomal dominant 6; GRIN2B-related developmental delay, intellectual disability and autism spectrum disorder. Identifiers: Orphanet 589547, MedGen C3151411, MONDO:0013509, OMIM 613970.
Developmental and epileptic encephalopathy, 27 (DEE27). Also called: Epileptic encephalopathy, early infantile, 27; GRIN2B-Related Neurodevelopmental Disorder. Identifiers: Orphanet 3451, MedGen C4015316, MONDO:0014505, OMIM 616139.

Allele frequency attached by ClinVar (database versions not stated): gnomAD 0.00003; TOPMed 0.00006; ExAC 0.00007; gnomAD exomes 0.00007 and 0.00008; ESP Exome Variant Server 0.00008.
gnomAD v4.1: 109 of 1,613,358 alleles (0.0068%); highest among the groups gnomAD compares: Middle Eastern, 0.066%; no homozygotes.

Submissions (3):

Labcorp Genetics (formerly Invitae), Labcorp
Classification: Likely benign for Developmental and epileptic encephalopathy, 27; Intellectual developmental disorder, autosomal dominant 6, with or without seizures. Last evaluated: 2025-10-21. Review status: criteria provided, single submitter. Criteria: Invitae Variant Classification Sherloc (09022015). Collection method: clinical testing. Allele origin: germline.

Blueprint Genetics
Classification: Likely benign. Last evaluated: 2024-10-30. Review status: criteria provided, single submitter. Criteria: ACMG Guidelines, 2015. Collection method: clinical testing. Allele origin: germline.

GeneDx
Classification: Benign. Last evaluated: 2015-09-28. Review status: criteria provided, single submitter. Criteria: GeneDx Variant Classification (06012015). Collection method: clinical testing. Allele origin: germline. Affected: yes.
Comment: This variant is considered likely benign or benign based on one or more of the following criteria: it is a conservative change, it occurs at a poorly conserved position in the protein, it is predicted to be benign by multiple in silico algorithms, and/or has population frequency not consistent with disease.